The following is an entry in ClinVar:

NM_000257.4(MYH7):c.3520A>C (p.Met1174Leu)

Gene: MYH7 (myosin heavy chain 7; minus strand). Cytogenetic location: 14q11.2.
Variant type: single nucleotide variant.
Coding change: c.3520A>C on transcript NM_000257.4 (MANE Select); coding-DNA position 3520, A replaced by C.
Protein change: p.Met1174Leu; replaces methionine 1174 with leucine.
Molecular consequence: missense variant.
Genome position (GRCh38, 1-based): chr14:23,420,051, T>G on the plus strand (A>C on the coding strand, the complement: MYH7 is on the minus strand). VCF-style: chr14-23420051-T-G. GRCh37 (hg19) VCF-style: chr14-23889260-T-G.
Other names: short protein forms M1174L.
Identifiers: ClinVar variation 954641 (VCV000954641.9), dbSNP rs1892409857, ClinGen allele CA389043610.

ClinVar aggregate classification (germline): Uncertain significance (1 of 4 stars; one submission).

Conditions:
Hypertrophic cardiomyopathy. Also called: HYPERTROPHIC MYOCARDIOPATHY. Identifiers: Orphanet 217569, MedGen C0007194, MeSH D002312, MONDO:0005045, HP:0001639.

Submission:

Labcorp Genetics (formerly Invitae), Labcorp
Classification: Uncertain significance for Hypertrophic cardiomyopathy. Last evaluated: 2019-09-24. Review status: criteria provided, single submitter. Criteria: Invitae Variant Classification Sherloc (09022015). Collection method: clinical testing. Allele origin: germline.
Comment: In summary, the available evidence is currently insufficient to determine the role of this variant in disease. Therefore, it has been classified as a Variant of Uncertain Significance. Algorithms developed to predict the effect of missense changes on protein structure and function (SIFT, PolyPhen-2, Align-GVGD) all suggest that this variant is likely to be tolerated, but these predictions have not been confirmed by published functional studies and their clinical significance is uncertain. This variant has not been reported in the literature in individuals with MYH7-related conditions. This variant is not present in population databases (ExAC no frequency). This sequence change replaces methionine with leucine at codon 1174 of the MYH7 protein (p.Met1174Leu). The methionine residue is moderately conserved and there is a small physicochemical difference between methionine and leucine.